The following is an entry in ClinVar:

ClinVar aggregate classification (germline): Pathogenic (1 of 4 stars; one submission).

Conditions:
Arginase deficiency. Also called: Arginase 1 Deficiency; ARGININEMIA; ARG1 DEFICIENCY. Identifiers: Orphanet 90, MedGen C0268548, MONDO:0008814, OMIM 207800.

Submission:

Labcorp Genetics (formerly Invitae), Labcorp
Classification: Pathogenic for Arginase deficiency. Last evaluated: 2022-05-04. Review status: criteria provided, single submitter. Criteria: Invitae Variant Classification Sherloc (09022015). Collection method: clinical testing. Allele origin: germline.
Comment: Algorithms developed to predict the effect of sequence changes on RNA splicing suggest that this variant may disrupt the consensus splice site. For these reasons, this variant has been classified as Pathogenic. Disruption of this splice site has been observed in individual(s) with arginase deficiency (PMID: 27038030). This variant is not present in population databases (gnomAD no frequency). This sequence change affects an acceptor splice site in intron 6 of the ARG1 gene. It is expected to disrupt RNA splicing. Variants that disrupt the donor or acceptor splice site typically lead to a loss of protein function (PMID: 16199547), and loss-of-function variants in ARG1 are known to be pathogenic (PMID: 7649538, 12052859).

Literature cited by the submitters: PubMed 27038030; PubMed 16199547; PubMed 7649538; PubMed 12052859.

NM_000045.4(ARG1):c.666-2A>C

Genes: ARG1 (arginase 1; plus strand), MED23 (mediator complex subunit 23; minus strand). Cytogenetic location: 6q23.2.
Variant type: single nucleotide variant.
Coding change: c.666-2A>C on transcript NM_000045.4 (MANE Select); the canonical splice acceptor site of the intron before coding-DNA position 666, A replaced by C.
Molecular consequence: splice acceptor variant. On other transcripts: intron variant (2).
Genome position (GRCh38, 1-based): chr6:131,583,353, A>C. VCF-style: chr6-131583353-A-C. GRCh37 (hg19) VCF-style: chr6-131904493-A-C.
Other names: c.690-2A>C (NM_001244438.2); c.411-2A>C (NM_001369020.1); c.4077+4356T>G (NM_001270521.2); c.4095+4356T>G (NM_015979.4).
Identifiers: ClinVar variation 2133556 (VCV002133556.4), dbSNP rs1774035827, ClinGen allele CA365652387.